The following is an entry in ClinVar:

NM_020919.4(ALS2):c.-95G>C

Genes: ALS2 (alsin Rho guanine nucleotide exchange factor ALS2; minus strand), LOC129935419 (ATAC-STARR-seq lymphoblastoid active region 16992; plus strand). Cytogenetic location: 2q33.1.
Variant type: single nucleotide variant.
Coding change: c.-95G>C on transcript NM_020919.4 (MANE Select); 95 bases upstream of the start codon, G replaced by C.
Molecular consequence: 5 prime UTR variant.
Genome position (GRCh38, 1-based): chr2:201,780,911, C>G on the plus strand (G>C on the coding strand, the complement: ALS2 is on the minus strand). VCF-style: chr2-201780911-C-G. GRCh37 (hg19) VCF-style: chr2-202645634-C-G.
Other names: c.-95G>C (NM_001135745.2).
Identifiers: ClinVar variation 333605 (VCV000333605.6), dbSNP rs77327610, ClinGen allele CA10613555.
Genomic context (GRCh38, chr2:201,780,911, plus strand): 5'-CCAACCCGGGACCCACACTCGCTCACCTGAAGCTCCACCGGCAGCACCGCGCTCCGCATC[C>G]GGCGCGAGCTTGGCAACCCAGTGGGTCCGCGGGATCAGCTGATTCATGGAGGGCGGGGCC-3'

ClinVar aggregate classification (germline): Benign. Review status: criteria provided, multiple submitters, no conflicts (2 of 4 stars). 3 submissions from 2 submitters: Benign (3). Last evaluated 2018-01-13.

Conditions:
ALS2-related disorder. Also called: ALS2-related condition; ALS2-related disorders; ALS2-Related Spectrum Disorders. Identifiers: MedGen CN169291.
Amyotrophic lateral sclerosis type 2, juvenile. Also called: ALS, JUVENILE; Amyotrophic lateral sclerosis type 2. Identifiers: Orphanet 300605, MedGen C1859807, MONDO:0008780, OMIM 205100.

Allele frequency attached by ClinVar (database versions not stated): 1000 Genomes Project 0.03494; gnomAD 0.03526 and 0.03775; TOPMed 0.03843; 1000 Genomes Project 30x 0.03888.

Submissions (3):

Illumina Laboratory Services, Illumina
Classification: Benign for ALS2-Related Disorders. Last evaluated: 2018-01-13. Review status: criteria provided, single submitter. Criteria: ICSL Variant Classification Criteria 13 December 2019. Collection method: clinical testing. Allele origin: germline.
Comment: This variant was observed in the ICSL laboratory as part of a predisposition screen in an ostensibly healthy population. It had not been previously curated by ICSL or reported in the Human Gene Mutation Database (HGMD: prior to June 1st, 2018), and was therefore a candidate for classification through an automated scoring system. Utilizing variant allele frequency, disease prevalence and penetrance estimates, and inheritance mode, an automated score was calculated to assess if this variant is too frequent to cause the disease. Based on the score and internal cut-off values, a variant classified as benign is not then subjected to further curation. The score for this variant resulted in a classification of benign for this disease.

Illumina Laboratory Services, Illumina
Classification: Benign for Amyotrophic lateral sclerosis type 2. Last evaluated: 2018-01-13. Review status: criteria provided, single submitter. Criteria: ICSL Variant Classification Criteria 13 December 2019. Collection method: clinical testing. Allele origin: germline.
Comment: the same text as in the submission from Illumina Laboratory Services, Illumina above.

Breakthrough Genomics
Classification: Benign. Review status: criteria provided, single submitter. Criteria: ACMG Guidelines, 2015. Collection method: not provided. Allele origin: germline. Inheritance: Autosomal recessive inheritance. Affected: yes.